The following is an entry in ClinVar:

NM_004006.3(DMD):c.3326_3338del (p.Asn1109fs)

Gene: DMD (dystrophin; minus strand). Cytogenetic location: Xp21.1.
Variant type: Deletion.
Coding change: c.3326_3338del on transcript NM_004006.3 (MANE Select); coding-DNA positions 3326 to 3338, 13 bases deleted (ATGAAGGTGGGCA).
Protein change: p.Asn1109fs; shifts the reading frame from asparagine 1109.
Molecular consequence: frameshift variant.
Genome position (GRCh38, 1-based): chrX:32,463,533-32,463,545, TGCCCACCTTCAT deleted on the plus strand (ATGAAGGTGGGCA on the coding strand, the reverse complement: DMD is on the minus strand); deleting any 13 consecutive bases within chrX:32,463,533-32,463,547 gives the same sequence; the c. name uses the placement nearest the transcript's 3' end. VCF-style (leftmost placement, unchanged base first): chrX-32463532-CTGCCCACCTTCAT-C. GRCh37 (hg19) VCF-style: chrX-32481649-CTGCCCACCTTCAT-C.
Other names: c.3302_3314del, p.Asn1101fs (NM_000109.4); c.3314_3326del, p.Asn1105fs (NM_004009.3); c.2957_2969del, p.Asn986fs (NM_004010.3); short protein forms N1105fs, N1109fs, N1101fs, N986fs.
Identifiers: ClinVar variation 2092656 (VCV002092656.4), dbSNP rs2524515643, ClinGen allele CA2580100688.

ClinVar aggregate classification (germline): Pathogenic (1 of 4 stars; one submission).

Conditions:
Duchenne muscular dystrophy (DMD). Also called: MUSCULAR DYSTROPHY, PSEUDOHYPERTROPHIC PROGRESSIVE, DUCHENNE TYPE; Duchenne Muscular Dystrophy (DMD). Identifiers: Orphanet 98896, MedGen C0013264, MONDO:0010679, OMIM 310200.

Submission:

Labcorp Genetics (formerly Invitae), Labcorp
Classification: Pathogenic for Duchenne muscular dystrophy. Last evaluated: 2022-02-04. Review status: criteria provided, single submitter. Criteria: Invitae Variant Classification Sherloc (09022015). Collection method: clinical testing. Allele origin: germline.
Comment: This variant has not been reported in the literature in individuals affected with DMD-related conditions. This variant is not present in population databases (gnomAD no frequency). This sequence change creates a premature translational stop signal (p.Asn1109Argfs*3) in the DMD gene. It is expected to result in an absent or disrupted protein product. Loss-of-function variants in DMD are known to be pathogenic (PMID: 16770791, 25007885). For these reasons, this variant has been classified as Pathogenic.

Literature cited by the submitters: PubMed 16770791; PubMed 25007885.